The following is an entry in ClinVar:

NM_000256.3(MYBPC3):c.1575T>A (p.Tyr525Ter)

Gene: MYBPC3 (myosin binding protein C3; minus strand). Cytogenetic location: 11p11.2.
Variant type: single nucleotide variant.
Coding change: c.1575T>A on transcript NM_000256.3 (MANE Select); coding-DNA position 1575, T replaced by A.
Protein change: p.Tyr525Ter; replaces tyrosine 525 with a stop codon.
Molecular consequence: nonsense.
Genome position (GRCh38, 1-based): chr11:47,342,627, A>T on the plus strand (T>A on the coding strand, the complement: MYBPC3 is on the minus strand). VCF-style: chr11-47342627-A-T. GRCh37 (hg19) VCF-style: chr11-47364178-A-T.
Other names: c.1575T>A, p.Tyr525Ter (LRG_386t1); short protein forms Y525*.
Identifiers: ClinVar variation 222700 (VCV000222700.9), dbSNP rs397515910, ClinGen allele CA079297.

ClinVar aggregate classification (germline): Pathogenic (1 of 4 stars; one submission).

Conditions:
Hypertrophic cardiomyopathy. Also called: HYPERTROPHIC MYOCARDIOPATHY. Identifiers: Orphanet 217569, MedGen C0007194, MeSH D002312, MONDO:0005045, HP:0001639.

Allele frequency attached by ClinVar (database versions not stated): TOPMed below 0.00001.
gnomAD v4.1: 3 of 1,613,914 alleles (0.00019%); no homozygotes.

Submission:

Labcorp Genetics (formerly Invitae), Labcorp
Classification: Pathogenic for Hypertrophic cardiomyopathy. Last evaluated: 2021-01-08. Review status: criteria provided, single submitter. Criteria: Invitae Variant Classification Sherloc (09022015). Collection method: clinical testing. Allele origin: germline.
Comment: For these reasons, this variant has been classified as Pathogenic. This nonsense change has been observed in individual(s) with hypertrophic cardiomyopathy (PMID: 27532257, 21817903, 30775854). ClinVar contains an entry for this variant (Variation ID: 222700). This variant is not present in population databases (ExAC no frequency). This sequence change creates a premature translational stop signal (p.Tyr525*) in the MYBPC3 gene. It is expected to result in an absent or disrupted protein product. Loss-of-function variants in MYBPC3 are known to be pathogenic (PMID: 19574547).

Literature cited by the submitters: PubMed 27532257; PubMed 21817903; PubMed 30775854; PubMed 19574547.